The following is an entry in ClinVar:

ClinVar aggregate classification (germline): Uncertain significance (1 of 4 stars; one submission).

gnomAD v4.1: 1 of 1,608,224 alleles (0.000062%); highest among the groups gnomAD compares: South Asian, 0.0011%; no homozygotes.

Submission:

Labcorp Genetics (formerly Invitae), Labcorp
Classification: Uncertain significance. Last evaluated: 2024-10-07. Review status: criteria provided, single submitter. Criteria: Invitae Variant Classification Sherloc (09022015). Collection method: clinical testing. Allele origin: germline.
Comment: This sequence change replaces histidine, which is basic and polar, with arginine, which is basic and polar, at codon 260 of the ADCY5 protein (p.His260Arg). This variant is not present in population databases (gnomAD no frequency). This variant has not been reported in the literature in individuals affected with ADCY5-related conditions. Invitae Evidence Modeling of protein sequence and biophysical properties (such as structural, functional, and spatial information, amino acid conservation, physicochemical variation, residue mobility, and thermodynamic stability) has been performed for this missense variant. However, the output from this modeling did not meet the statistical confidence thresholds required to predict the impact of this variant on ADCY5 protein function. In summary, the available evidence is currently insufficient to determine the role of this variant in disease. Therefore, it has been classified as a Variant of Uncertain Significance.

NM_183357.3(ADCY5):c.779A>G (p.His260Arg)

Gene: ADCY5 (adenylate cyclase 5; minus strand). Cytogenetic location: 3q21.1.
Variant type: single nucleotide variant.
Coding change: c.779A>G on transcript NM_183357.3 (MANE Select); coding-DNA position 779, A replaced by G.
Protein change: p.His260Arg; replaces histidine 260 with arginine.
Molecular consequence: missense variant.
Genome position (GRCh38, 1-based): chr3:123,447,767, T>C on the plus strand (A>G on the coding strand, the complement: ADCY5 is on the minus strand). VCF-style: chr3-123447767-T-C. GRCh37 (hg19) VCF-style: chr3-123166614-T-C.
Other names: c.779A>G, p.His260Arg (NM_001378259.1); short protein forms H260R.
Identifiers: ClinVar variation 2704541 (VCV002704541.3), dbSNP rs2473326351, ClinGen allele CA354356756.